The following is an entry in ClinVar:

ClinVar aggregate classification (germline): Uncertain significance (1 of 4 stars; one submission).

Submission:

Labcorp Genetics (formerly Invitae), Labcorp
Classification: Uncertain significance. Last evaluated: 2026-01-12. Review status: criteria provided, single submitter. Criteria: Invitae Variant Classification Sherloc (09022015). Collection method: clinical testing. Allele origin: germline.
Comment: This sequence change replaces glutamic acid, which is acidic and polar, with glycine, which is neutral and non-polar, at codon 82 of the TSR2 protein (p.Glu82Gly). This variant is not present in population databases (gnomAD no frequency). This variant has not been reported in the literature in individuals affected with TSR2-related conditions. An algorithm developed to predict the effect of missense changes on protein structure and function (PolyPhen-2) suggests that this variant is likely to be tolerated. In summary, the available evidence is currently insufficient to determine the role of this variant in disease. Therefore, it has been classified as a Variant of Uncertain Significance.

NM_058163.3(TSR2):c.245A>G (p.Glu82Gly)

Gene: TSR2 (TSR2 ribosome maturation factor; plus strand). Cytogenetic location: Xp11.22.
Variant type: single nucleotide variant.
Coding change: c.245A>G on transcript NM_058163.3 (MANE Select); coding-DNA position 245, A replaced by G.
Protein change: p.Glu82Gly; replaces glutamic acid 82 with glycine.
Molecular consequence: missense variant. On other transcripts: 5 prime UTR variant (3).
Genome position (GRCh38, 1-based): chrX:54,443,472, A>G. VCF-style: chrX-54443472-A-G. GRCh37 (hg19) VCF-style: chrX-54469905-A-G.
Other names: c.245A>G, p.Glu82Gly (NM_001346789.2); c.-32A>G (NM_001346790.2); c.-41A>G (NM_001346791.2, NM_001346792.2); short protein forms E82G.
Identifiers: ClinVar variation 4735184 (VCV004735184.1).